The following is an entry in ClinVar:

ClinVar aggregate classification (germline): Uncertain significance (1 of 4 stars; one submission).

Conditions:
Focal segmental glomerulosclerosis 5 (FSGS5). Identifiers: Orphanet 656, MedGen C2750475, MONDO:0013191, OMIM 613237.
Charcot-Marie-Tooth disease dominant intermediate E. Also called: CHARCOT-MARIE-TOOTH NEUROPATHY WITH FOCAL SEGMENTAL GLOMERULONEPHRITIS. Identifiers: Orphanet 93114, MedGen C4302667, MONDO:0013758, OMIM 614455.

Submission:

Labcorp Genetics (formerly Invitae), Labcorp
Classification: Uncertain significance for Charcot-Marie-Tooth disease dominant intermediate E; Focal segmental glomerulosclerosis 5. Last evaluated: 2024-11-11. Review status: criteria provided, single submitter. Criteria: Invitae Variant Classification Sherloc (09022015). Collection method: clinical testing. Allele origin: germline.
Comment: This sequence change creates a premature translational stop signal (p.Tyr124Thrfs*14) in the INF2 gene. It is expected to result in an absent or disrupted protein product. However, the current clinical and genetic evidence is not sufficient to establish whether loss-of-function variants in INF2 cause disease. This variant is not present in population databases (gnomAD no frequency). This premature translational stop signal has been observed in individual(s) with clinical features of Charcot-Marie-Tooth disease (internal data). ClinVar contains an entry for this variant (Variation ID: 2031833). Algorithms developed to predict the effect of sequence changes on RNA splicing suggest that this variant may disrupt the consensus splice site. In summary, the available evidence is currently insufficient to determine the role of this variant in disease. Therefore, it has been classified as a Variant of Uncertain Significance.

NM_022489.4(INF2):c.369del (p.Tyr124fs)

Gene: INF2 (inverted formin 2; plus strand). Cytogenetic location: 14q32.33.
Variant type: Deletion.
Coding change: c.369del on transcript NM_022489.4 (MANE Select); coding-DNA position 369, one base deleted (C; older notation c.369delC).
Protein change: p.Tyr124fs; shifts the reading frame from tyrosine 124.
Molecular consequence: frameshift variant.
Genome position (GRCh38, 1-based): chr14:104,701,734, C deleted. VCF-style (leftmost placement, unchanged base first): chr14-104701733-GC-G. GRCh37 (hg19) VCF-style: chr14-105168070-GC-G.
Other names: c.369del, p.Tyr124fs (NM_001031714.4, NM_032714.3); short protein forms Y124fs.
Identifiers: ClinVar variation 2031833 (VCV002031833.4), dbSNP rs2504233848, ClinGen allele CA2580088522.